The following is an entry in ClinVar:

NM_182943.3(PLOD2):c.1045A>G (p.Lys349Glu)

Gene: PLOD2 (procollagen-lysine,2-oxoglutarate 5-dioxygenase 2; minus strand). Cytogenetic location: 3q24.
Variant type: single nucleotide variant.
Coding change: c.1045A>G on transcript NM_182943.3 (MANE Select); coding-DNA position 1045, A replaced by G.
Protein change: p.Lys349Glu; replaces lysine 349 with glutamic acid.
Molecular consequence: missense variant.
Genome position (GRCh38, 1-based): chr3:146,086,869, T>C on the plus strand (A>G on the coding strand, the complement: PLOD2 is on the minus strand). VCF-style: chr3-146086869-T-C. GRCh37 (hg19) VCF-style: chr3-145804656-T-C.
Other names: c.1045A>G, p.Lys349Glu (NM_000935.3); short protein forms K349E.
Identifiers: ClinVar variation 1444936 (VCV001444936.9), dbSNP rs368727638, ClinGen allele CA84518517.

ClinVar aggregate classification (germline): Conflicting classifications of pathogenicity. Review status: criteria provided, conflicting classifications (1 of 4 stars). 2 submissions from 2 submitters: Uncertain significance (1); Likely benign (1). Last evaluated 2024-09-20.

Conditions:
Bruck syndrome 2 (BRKS2). Also called: OSTEOGENESIS IMPERFECTA WITH CONGENITAL JOINT CONTRACTURES. Identifiers: Orphanet 2771, MedGen C1836602, MONDO:0012217, OMIM 609220.

Allele frequency attached by ClinVar (database versions not stated): gnomAD exomes below 0.00001.
gnomAD v4.1: 10 of 1,526,472 alleles (0.00066%); highest among the groups gnomAD compares: African/African-American, 0.0069%; no homozygotes.

Submissions (2):

3billion
Classification: Likely benign for Bruck syndrome 2. Last evaluated: 2024-09-20. Review status: criteria provided, single submitter. Criteria: ACMG Guidelines, 2015. Collection method: clinical testing. Allele origin: germline. Affected: no.
Comment: The homozygous variant was found in patients diagnosed with another variant in a different gene, with no symptoms related to the gene containing the homozygous variant.

Labcorp Genetics (formerly Invitae), Labcorp
Classification: Uncertain significance. Last evaluated: 2022-11-01. Review status: criteria provided, single submitter. Criteria: Invitae Variant Classification Sherloc (09022015). Collection method: clinical testing. Allele origin: germline.
Comment: In summary, the available evidence is currently insufficient to determine the role of this variant in disease. Therefore, it has been classified as a Variant of Uncertain Significance. Algorithms developed to predict the effect of missense changes on protein structure and function (SIFT, PolyPhen-2, Align-GVGD) all suggest that this variant is likely to be tolerated. ClinVar contains an entry for this variant (Variation ID: 1444936). This variant has not been reported in the literature in individuals affected with PLOD2-related conditions. This variant is not present in population databases (gnomAD no frequency). This sequence change replaces lysine, which is basic and polar, with glutamic acid, which is acidic and polar, at codon 349 of the PLOD2 protein (p.Lys349Glu).